The following is an entry in ClinVar:

NM_000021.4(PSEN1):c.*2529G>T

Gene: PSEN1 (presenilin 1; plus strand). Cytogenetic location: 14q24.2.
Variant type: single nucleotide variant.
Coding change: c.*2529G>T on transcript NM_000021.4 (MANE Select); 2529 bases downstream of the stop codon, G replaced by T.
Molecular consequence: 3 prime UTR variant.
Genome position (GRCh38, 1-based): chr14:73,221,818, G>T. VCF-style: chr14-73221818-G-T. GRCh37 (hg19) VCF-style: chr14-73688526-G-T.
Other names: c.*2529G>T (NM_007318.3).
Identifiers: ClinVar variation 313985 (VCV000313985.5), dbSNP rs574941431, ClinGen allele CA10645871.

ClinVar aggregate classification (germline): Conflicting classifications of pathogenicity. Review status: criteria provided, conflicting classifications (1 of 4 stars). 2 submissions from 1 submitter: Uncertain significance (1); Likely benign (1). Last evaluated 2018-01-13.

Conditions:
Dilated cardiomyopathy 1U. Identifiers: Orphanet 154, MedGen C3160720, MONDO:0013371, OMIM 613694.
Alzheimer disease 3 (AD3). Also called: ALZHEIMER DISEASE, FAMILIAL, 3. Identifiers: Orphanet 1020, MedGen C1843013, MONDO:0011913, OMIM 607822.

Allele frequency attached by ClinVar (database versions not stated): TOPMed 0.00028; 1000 Genomes Project 30x 0.00031; gnomAD 0.00031; 1000 Genomes Project 0.00040.

Submissions (2):

Illumina Laboratory Services, Illumina
Classification: Likely benign for Alzheimer disease 3. Last evaluated: 2018-01-13. Review status: criteria provided, single submitter. Criteria: ICSL Variant Classification Criteria 13 December 2019. Collection method: clinical testing. Allele origin: germline.
Comment: This variant was observed in the ICSL laboratory as part of a predisposition screen in an ostensibly healthy population. It had not been previously curated by ICSL or reported in the Human Gene Mutation Database (HGMD: prior to June 1st, 2018), and was therefore a candidate for classification through an automated scoring system. Utilizing variant allele frequency, disease prevalence and penetrance estimates, and inheritance mode, an automated score was calculated to assess if this variant is too frequent to cause the disease. Based on the score and internal cut-off values, a variant classified as likely benign is not then subjected to further curation. The score for this variant resulted in a classification of likely benign for this disease.

Illumina Laboratory Services, Illumina
Classification: Uncertain significance for Dilated cardiomyopathy 1U. Last evaluated: 2018-01-13. Review status: criteria provided, single submitter. Criteria: ICSL Variant Classification Criteria 13 December 2019. Collection method: clinical testing. Allele origin: germline.